The following is an entry in ClinVar:

ClinVar aggregate classification (germline): Uncertain significance (1 of 4 stars; one submission).

gnomAD v4.1: 2 of 1,605,500 alleles (0.00012%); highest among the groups gnomAD compares: Non-Finnish European, 0.00017%; no homozygotes.

Submission:

Labcorp Genetics (formerly Invitae), Labcorp
Classification: Uncertain significance. Last evaluated: 2025-10-13. Review status: criteria provided, single submitter. Criteria: Invitae Variant Classification Sherloc (09022015). Collection method: clinical testing. Allele origin: germline.
Comment: This sequence change replaces asparagine, which is neutral and polar, with aspartic acid, which is acidic and polar, at codon 1184 of the FLNB protein (p.Asn1184Asp). This variant is present in population databases (no rsID available, gnomAD 0.0009%). This variant has not been reported in the literature in individuals affected with FLNB-related conditions. Invitae Evidence Modeling of protein sequence and biophysical properties (such as structural, functional, and spatial information, amino acid conservation, physicochemical variation, residue mobility, and thermodynamic stability) indicates that this missense variant is not expected to disrupt FLNB protein function with a negative predictive value of 95%. In summary, the available evidence is currently insufficient to determine the role of this variant in disease. Therefore, it has been classified as a Variant of Uncertain Significance.

NM_001457.4(FLNB):c.3550A>G (p.Asn1184Asp)

Gene: FLNB (filamin B; plus strand). Cytogenetic location: 3p14.3.
Variant type: single nucleotide variant.
Coding change: c.3550A>G on transcript NM_001457.4 (MANE Select); coding-DNA position 3550, A replaced by G.
Protein change: p.Asn1184Asp; replaces asparagine 1184 with aspartic acid.
Molecular consequence: missense variant.
Genome position (GRCh38, 1-based): chr3:58,123,516, A>G. VCF-style: chr3-58123516-A-G. GRCh37 (hg19) VCF-style: chr3-58109243-A-G.
Other names: c.3550A>G, p.Asn1184Asp (NM_001164317.2, NM_001164318.2, NM_001164319.2); short protein forms N1184D.
Identifiers: ClinVar variation 4697197 (VCV004697197.1).